The following is an entry in ClinVar:

ClinVar aggregate classification (germline): Uncertain significance. Review status: criteria provided, multiple submitters, no conflicts (2 of 4 stars). 2 submissions from 2 submitters: Uncertain significance (2). Last evaluated 2024-06-03.

Conditions:
Early-infantile DEE. Also called: Early infantile epileptic encephalopathy; Ohtahara syndrome; Early infantile epileptic encephalopathy with suppression bursts. Identifiers: Orphanet 1934, MedGen C0393706, MONDO:0800491.

gnomAD v4.1: 19 of 1,613,548 alleles (0.0012%); highest among the groups gnomAD compares: East Asian, 0.0067%; no homozygotes.

Submissions (2):

Labcorp Genetics (formerly Invitae), Labcorp
Classification: Uncertain significance for Early-infantile DEE. Last evaluated: 2024-06-03. Review status: criteria provided, single submitter. Criteria: Invitae Variant Classification Sherloc (09022015). Collection method: clinical testing. Allele origin: germline.
Comment: This sequence change replaces glycine, which is neutral and non-polar, with tryptophan, which is neutral and slightly polar, at codon 649 of the ARHGEF15 protein (p.Gly649Trp). This variant is not present in population databases (gnomAD no frequency). This variant has not been reported in the literature in individuals affected with ARHGEF15-related conditions. ClinVar contains an entry for this variant (Variation ID: 1513654). An algorithm developed to predict the effect of missense changes on protein structure and function (PolyPhen-2) suggests that this variant is likely to be disruptive. In summary, the available evidence is currently insufficient to determine the role of this variant in disease. Therefore, it has been classified as a Variant of Uncertain Significance.

Ambry Genetics
Classification: Uncertain significance. Last evaluated: 2024-04-23. Review status: criteria provided, single submitter. Criteria: Ambry Variant Classification Scheme 2023. Collection method: clinical testing. Allele origin: germline.

NM_173728.4(ARHGEF15):c.1945G>T (p.Gly649Trp)

Gene: ARHGEF15 (Rho guanine nucleotide exchange factor 15; plus strand). Cytogenetic location: 17p13.1.
Variant type: single nucleotide variant.
Coding change: c.1945G>T on transcript NM_173728.4 (MANE Select); coding-DNA position 1945, G replaced by T.
Protein change: p.Gly649Trp; replaces glycine 649 with tryptophan.
Molecular consequence: missense variant.
Genome position (GRCh38, 1-based): chr17:8,318,822, G>T. VCF-style: chr17-8318822-G-T. GRCh37 (hg19) VCF-style: chr17-8222140-G-T.
Other names: c.1945G>T, p.Gly649Trp (NM_025014.2); c.1945G>T (NM_173728.3); short protein forms G649W.
Identifiers: ClinVar variation 1513654 (VCV001513654.10), dbSNP rs775161160, ClinGen allele CA398023588.